The following is an entry in ClinVar:

NM_018947.6(CYCS):c.258_260del (p.Ile86_Lys87delinsMet)

Gene: CYCS (cytochrome c, somatic; minus strand). Cytogenetic location: 7p15.3.
Variant type: Deletion.
Coding change: c.258_260del on transcript NM_018947.6 (MANE Select); coding-DNA positions 258 to 260, 3 bases deleted (TAA; older notation c.258_260delTAA).
Protein change: p.Ile86_Lys87delinsMet.
Molecular consequence: inframe indel.
Genome position (GRCh38, 1-based): chr7:25,123,759-25,123,761, TTA deleted on the plus strand (TAA on the coding strand, the reverse complement: CYCS is on the minus strand). VCF-style (leftmost placement, unchanged base first): chr7-25123758-CTTA-C. GRCh37 (hg19) VCF-style: chr7-25163377-CTTA-C.
Identifiers: ClinVar variation 2820708 (VCV002820708.3), dbSNP rs2535205625, ClinGen allele CA2739266368.
Genomic context (GRCh38, chr7:25,123,758, plus strand): 5'-TTATTACTCATTAGTAGCTTTTTTGAGATAAGCTATTAAGTCTGCCCTTTCTTCCTTCTT[CTTA>C]ATGCCGACAAAGATCATTTTTGTTCCAGGGATGTACTTCTTGGGATTCTCCAAATACTCC-3'

ClinVar aggregate classification (germline): Uncertain significance (1 of 4 stars; one submission).

Submission:

Labcorp Genetics (formerly Invitae), Labcorp
Classification: Uncertain significance. Last evaluated: 2022-12-14. Review status: criteria provided, single submitter. Criteria: Invitae Variant Classification Sherloc (09022015). Collection method: clinical testing. Allele origin: germline.
Comment: This variant has not been reported in the literature in individuals affected with CYCS-related conditions. This variant is not present in population databases (gnomAD no frequency). This variant, c.258_260del, is a complex sequence change that results in the deletion of 2 and insertion of 1 amino acid(s) in the CYCS protein (p.Ile86_Lys87delinsMet). Experimental studies and prediction algorithms are not available or were not evaluated, and the functional significance of this variant is currently unknown. In summary, the available evidence is currently insufficient to determine the role of this variant in disease. Therefore, it has been classified as a Variant of Uncertain Significance.